The following is an entry in ClinVar:

ClinVar aggregate classification (germline): Uncertain significance (1 of 4 stars; one submission).

Conditions:
Macrocephaly-developmental delay syndrome (MRT41). Also called: INTELLECTUAL DEVELOPMENTAL DISORDER, AUTOSOMAL RECESSIVE 41. Identifiers: Orphanet 397612, MedGen C3810225, MONDO:0014289, OMIM 615637.

Submission:

Labcorp Genetics (formerly Invitae), Labcorp
Classification: Uncertain significance for Macrocephaly-developmental delay syndrome. Last evaluated: 2022-06-13. Review status: criteria provided, single submitter. Criteria: Invitae Variant Classification Sherloc (09022015). Collection method: clinical testing. Allele origin: germline.
Comment: This sequence change replaces arginine, which is basic and polar, with glycine, which is neutral and non-polar, at codon 415 of the KPTN protein (p.Arg415Gly). This variant is not present in population databases (gnomAD no frequency). This variant has not been reported in the literature in individuals affected with KPTN-related conditions. Algorithms developed to predict the effect of missense changes on protein structure and function (SIFT, PolyPhen-2, Align-GVGD) all suggest that this variant is likely to be tolerated. In summary, the available evidence is currently insufficient to determine the role of this variant in disease. Therefore, it has been classified as a Variant of Uncertain Significance.

NM_007059.4(KPTN):c.1243A>G (p.Arg415Gly)

Gene: KPTN (kaptin, actin binding protein; minus strand). Cytogenetic location: 19q13.32.
Variant type: single nucleotide variant.
Coding change: c.1243A>G on transcript NM_007059.4 (MANE Select); coding-DNA position 1243, A replaced by G.
Protein change: p.Arg415Gly; replaces arginine 415 with glycine.
Molecular consequence: missense variant. On other transcripts: non-coding transcript variant (1).
Genome position (GRCh38, 1-based): chr19:47,475,484, T>C on the plus strand (A>G on the coding strand, the complement: KPTN is on the minus strand). VCF-style: chr19-47475484-T-C. GRCh37 (hg19) VCF-style: chr19-47978741-T-C.
Other names: c.1075A>G, p.Arg359Gly (NM_001291296.2); short protein forms R359G, R415G.
Identifiers: ClinVar variation 1518434 (VCV001518434.6), dbSNP rs1599866593, ClinGen allele CA406597965.